The following is an entry in ClinVar:

ClinVar aggregate classification (germline): Likely benign (1 of 4 stars; one submission).

gnomAD v4.1: 7 of 1,613,034 alleles (0.00043%); highest among the groups gnomAD compares: Middle Eastern, 0.016%; no homozygotes.

Submission:

CeGaT Center for Human Genetics Tuebingen
Classification: Likely benign. Last evaluated: 2026-07-01. Review status: criteria provided, single submitter. Criteria: CeGaT Center For Human Genetics Tuebingen Variant Classification Criteria Version 2. Collection method: clinical testing. Allele origin: germline. Affected: yes. Observed: 1 variant allele.
Comment: CFAP69: BP4, BP7

NM_001039706.3(CFAP69):c.1302A>G (p.Leu434=)

Gene: CFAP69 (cilia and flagella associated protein 69; plus strand). Cytogenetic location: 7q21.13.
Variant type: single nucleotide variant.
Coding change: c.1302A>G on transcript NM_001039706.3 (MANE Select); coding-DNA position 1302, A replaced by G.
Protein change: p.Leu434=; no amino-acid change (leucine 434 retained).
Molecular consequence: synonymous variant.
Genome position (GRCh38, 1-based): chr7:90,279,823, A>G. VCF-style: chr7-90279823-A-G. GRCh37 (hg19) VCF-style: chr7-89909137-A-G.
Other names: c.1248A>G, p.Leu416= (NM_001160138.2); c.1302A>G, p.Leu434= (NM_001363438.1).
Identifiers: ClinVar variation 5039257 (VCV005039257.1).